The following is an entry in ClinVar:

ClinVar aggregate classification (germline): Uncertain significance (1 of 4 stars; one submission).

Submission:

GeneDx
Classification: Uncertain significance. Last evaluated: 2023-12-07. Review status: criteria provided, single submitter. Criteria: GeneDx Variant Classification Process June 2021. Collection method: clinical testing. Allele origin: germline. Affected: yes.
Comment: Not observed at significant frequency in large population cohorts (gnomAD); In silico analysis supports that this missense variant has a deleterious effect on protein structure/function; Has not been previously published as pathogenic or benign to our knowledge

NM_006445.4(PRPF8):c.803C>A (p.Ala268Glu)

Gene: PRPF8 (pre-mRNA processing factor 8; minus strand). Cytogenetic location: 17p13.3.
Variant type: single nucleotide variant.
Coding change: c.803C>A on transcript NM_006445.4 (MANE Select); coding-DNA position 803, C replaced by A.
Protein change: p.Ala268Glu; replaces alanine 268 with glutamic acid.
Molecular consequence: missense variant.
Genome position (GRCh38, 1-based): chr17:1,681,541, G>T on the plus strand (C>A on the coding strand, the complement: PRPF8 is on the minus strand). VCF-style: chr17-1681541-G-T. GRCh37 (hg19) VCF-style: chr17-1584835-G-T.
Other names: short protein forms A268E.
Identifiers: ClinVar variation 3252481 (VCV003252481.1), dbSNP rs2543781792.